The following is an entry in ClinVar:

ClinVar aggregate classification (germline): Uncertain significance (1 of 4 stars; one submission).

Conditions:
VPS13B-related disorder. Also called: VPS13B-related condition.

Submission:

PreventionGenetics, part of Exact Sciences
Classification: Uncertain significance for VPS13B-related condition. Last evaluated: 2026-09-17. Review status: criteria provided, single submitter. Criteria: ACMG Guidelines, 2015. Collection method: clinical testing. Allele origin: germline.
Comment: The VPS13B c.1561A>C variant is predicted to result in the amino acid substitution p.Lys521Gln. To our knowledge, this variant has not been reported in the literature or in a large population database (gnomAD), indicating this variant is rare. At this time, the clinical significance of this variant is uncertain due to the absence of conclusive functional and genetic evidence.

NM_152564.5(VPS13B):c.1561A>C (p.Lys521Gln)

Gene: VPS13B (vacuolar protein sorting 13 homolog B; plus strand). Cytogenetic location: 8q22.2.
Variant type: single nucleotide variant.
Coding change: c.1561A>C on transcript NM_152564.5 (MANE Select); coding-DNA position 1561, A replaced by C.
Protein change: p.Lys521Gln; replaces lysine 521 with glutamine.
Molecular consequence: missense variant.
Genome position (GRCh38, 1-based): chr8:99,135,731, A>C. VCF-style: chr8-99135731-A-C. GRCh37 (hg19) VCF-style: chr8-100147959-A-C.
Other names: c.1561A>C, p.Lys521Gln (NM_015243.3, NM_017890.5); short protein forms K521Q.
Identifiers: ClinVar variation 4992474 (VCV004992474.1).